The following is an entry in ClinVar:

NM_030665.4(RAI1):c.2763A>G (p.Ser921=)

Gene: RAI1 (retinoic acid induced 1; plus strand). Cytogenetic location: 17p11.2.
Variant type: single nucleotide variant.
Coding change: c.2763A>G on transcript NM_030665.4 (MANE Select); coding-DNA position 2763, A replaced by G.
Protein change: p.Ser921=; no amino-acid change (serine 921 retained).
Molecular consequence: synonymous variant.
Genome position (GRCh38, 1-based): chr17:17,795,711, A>G. VCF-style: chr17-17795711-A-G. GRCh37 (hg19) VCF-style: chr17-17699025-A-G.
Identifiers: ClinVar variation 2647523 (VCV002647523.26), dbSNP rs2508583384, ClinGen allele CA498424127.

ClinVar aggregate classification (germline): Likely benign. Review status: criteria provided, multiple submitters, no conflicts (2 of 4 stars). 2 submissions from 2 submitters: Likely benign (2). Last evaluated 2024-02-01.

Submissions (2):

Labcorp Genetics (formerly Invitae), Labcorp
Classification: Likely benign. Last evaluated: 2024-02-01. Review status: criteria provided, single submitter. Criteria: Invitae Variant Classification Sherloc (09022015). Collection method: clinical testing. Allele origin: germline.

CeGaT Center for Human Genetics Tuebingen
Classification: Likely benign. Last evaluated: 2023-05-01. Review status: criteria provided, single submitter. Criteria: CeGaT Center For Human Genetics Tuebingen Variant Classification Criteria Version 2. Collection method: clinical testing. Allele origin: germline. Affected: yes. Observed: 1 variant allele.
Comment: RAI1: PM2:Supporting, BP4, BP7